The following is an entry in ClinVar:

ClinVar aggregate classification (germline): Uncertain significance (1 of 4 stars; one submission).

Submission:

Labcorp Genetics (formerly Invitae), Labcorp
Classification: Uncertain significance. Last evaluated: 2025-09-02. Review status: criteria provided, single submitter. Criteria: Invitae Variant Classification Sherloc (09022015). Collection method: clinical testing. Allele origin: germline.
Comment: This sequence change replaces aspartic acid, which is acidic and polar, with glycine, which is neutral and non-polar, at codon 2516 of the FAT4 protein (p.Asp2516Gly). This variant is not present in population databases (gnomAD no frequency). This variant has not been reported in the literature in individuals affected with FAT4-related conditions. ClinVar contains an entry for this variant (Variation ID: 2110615). Invitae Evidence Modeling of protein sequence and biophysical properties (such as structural, functional, and spatial information, amino acid conservation, physicochemical variation, residue mobility, and thermodynamic stability) indicates that this missense variant is not expected to disrupt FAT4 protein function with a negative predictive value of 95%. In summary, the available evidence is currently insufficient to determine the role of this variant in disease. Therefore, it has been classified as a Variant of Uncertain Significance.

NM_001291303.3(FAT4):c.7553A>G (p.Asp2518Gly)

Gene: FAT4 (FAT atypical cadherin 4; plus strand). Cytogenetic location: 4q28.1.
Variant type: single nucleotide variant.
Coding change: c.7553A>G on transcript NM_001291303.3 (MANE Select); coding-DNA position 7553, A replaced by G.
Protein change: p.Asp2518Gly; replaces aspartic acid 2518 with glycine.
Molecular consequence: missense variant.
Genome position (GRCh38, 1-based): chr4:125,448,563, A>G. VCF-style: chr4-125448563-A-G. GRCh37 (hg19) VCF-style: chr4-126369718-A-G.
Other names: c.7553A>G, p.Asp2518Gly (NM_001291285.3); c.7547A>G, p.Asp2516Gly (NM_024582.6); short protein forms D2518G, D2516G.
Identifiers: ClinVar variation 2110615 (VCV002110615.4), dbSNP rs2530889508, ClinGen allele CA358140279.